The following is an entry in ClinVar:

ClinVar aggregate classification (germline): Uncertain significance (1 of 4 stars; one submission).

gnomAD v4.1: 4 of 1,301,010 alleles (0.00031%); highest among the groups gnomAD compares: Non-Finnish European, 0.00039%; no homozygotes.

Submission:

GeneDx
Classification: Uncertain significance. Last evaluated: 2022-06-24. Review status: criteria provided, single submitter. Criteria: GeneDx Variant Classification Process June 2021. Collection method: clinical testing. Allele origin: germline. Affected: yes.
Comment: Not observed in large population cohorts (gnomAD); Nucleotide substitution has no predicted effect on splicing and is not conserved across species; Has not been previously published as pathogenic or benign to our knowledge

NM_014159.7(SETD2):c.-2C>T

Genes: SETD2 (SET domain containing 2, histone lysine methyltransferase; minus strand), LOC129936665 (ATAC-STARR-seq lymphoblastoid silent region 14306; plus strand). Cytogenetic location: 3p21.31.
Variant type: single nucleotide variant.
Coding change: c.-2C>T on transcript NM_014159.7 (MANE Select); 2 bases upstream of the start codon, C replaced by T.
Molecular consequence: 5 prime UTR variant. On other transcripts: non-coding transcript variant (1).
Genome position (GRCh38, 1-based): chr3:47,163,926, G>A on the plus strand (C>T on the coding strand, the complement: SETD2 is on the minus strand). VCF-style: chr3-47163926-G-A. GRCh37 (hg19) VCF-style: chr3-47205416-G-A.
Other names: c.-118C>T (NM_001349370.3).
Identifiers: ClinVar variation 1695490 (VCV001695490.2), dbSNP rs761020197, ClinGen allele CA2577578220.
Genomic context (GRCh38, chr3:47,163,926, plus strand): 5'-TGCTCCGGGTCGTAGAAATCCCCCATCTTCGGAGGCGGCTGCGGCTGCAGCTGCTTCATC[G>A]GGAGCGGCTGGAGACGGCGACGCGAGCCCCCTCCCCGCAGCAGGGCGACGCGGGGGAGGG-3'